The following is an entry in ClinVar:

NM_001127222.2(CACNA1A):c.1108G>T (p.Val370Leu)

Gene: CACNA1A (calcium voltage-gated channel subunit alpha1 A; minus strand). Cytogenetic location: 19p13.13.
Variant type: single nucleotide variant.
Coding change: c.1108G>T on transcript NM_001127222.2 (MANE Select); coding-DNA position 1108, G replaced by T.
Protein change: p.Val370Leu; replaces valine 370 with leucine.
Molecular consequence: missense variant.
Genome position (GRCh38, 1-based): chr19:13,334,468, C>A on the plus strand (G>T on the coding strand, the complement: CACNA1A is on the minus strand). VCF-style: chr19-13334468-C-A. GRCh37 (hg19) VCF-style: chr19-13445282-C-A.
Other names: c.1108G>T, p.Val370Leu (NM_000068.4, NM_001127221.2, NM_001174080.2 and 1 more transcripts); short protein forms V370L.
Identifiers: ClinVar variation 2443559 (VCV002443559.1), dbSNP rs2513049240, ClinGen allele CA404346590.

ClinVar aggregate classification (germline): Uncertain significance (1 of 4 stars; one submission).

Submission:

GeneDx
Classification: Uncertain significance. Last evaluated: 2022-09-12. Review status: criteria provided, single submitter. Criteria: GeneDx Variant Classification Process June 2021. Collection method: clinical testing. Allele origin: germline. Affected: yes.
Comment: Not observed at significant frequency in large population cohorts (gnomAD); In silico analysis supports that this missense variant has a deleterious effect on protein structure/function; Has not been previously published as pathogenic or benign to our knowledge